The following is an entry in ClinVar:

ClinVar aggregate classification (germline): Pathogenic. Review status: reviewed by expert panel (3 of 4 stars). 5 submissions from 5 submitters: Pathogenic (1). 4 of the submissions do not count toward it. Last evaluated 2020-04-20.

Conditions:
Glycogen storage disease, type II (IOPD). Also called: CARDIOMEGALIA GLYCOGENICA DIFFUSA; Glycogen storage disease type 2; Acid maltase deficiency disease; Aglucosidase alfa; Deficiency of alpha-glucosidase; Deficiency of lysosomal alpha-glucosidase. Identifiers: Orphanet 365, MedGen C0017921, MONDO:0009290, OMIM 232300.

Allele frequency attached by ClinVar (database versions not stated): 1000 Genomes Project 0.00020; ExAC below 0.00001; gnomAD exomes below 0.00001; TOPMed below 0.00001; gnomAD 0.00001; 1000 Genomes Project 30x 0.00016.
gnomAD v4.1: 7 of 1,611,054 alleles (0.00043%); highest among the groups gnomAD compares: African/African-American, 0.0013%; no homozygotes.

Submissions (5):

ClinGen Lysosomal Storage Disorder Variant Curation Expert Panel
Classification: Pathogenic for Glycogen storage disease, type II. Last evaluated: 2020-04-20. Review status: reviewed by expert panel. Criteria: ClinGen LSD ACMG Specifications v1. Collection method: curation. Allele origin: germline. Inheritance: Autosomal recessive inheritance.
Comment: This variant, c.172C>T (p.Gln58Ter), is a nonsense variant, predicted to result in nonsense-mediated decay and lack of gene product, meeting PVS1. The variant is not in gnomAD v2.1.1, meeting PM2. This variant was found in compound heterozygosity with a pathogenic variant in two patients who meet the ClinGen LSD VCEP's PP4 specifications; one with c.525delT, confirmed in trans (PMID 10377006), and the other with c.841C>T (p.Arg281Trp), identified in a clinical diagnostic laboratory. This data meets PM3. Of note, pseudodeficiency variants are absent in the latter patient, allowing PP4_Moderate to be applied. Additional patients have been reported but were not included because the residual GAA activity was not provided and therefore PP4 cannot be assessed (PMID 20817528). There is a ClinVar entry for this variant (Variation ID: 188903, 1 star review status) with one submitter classifying the variant as likely pathogenic. In summary, this variant meets the criteria to be classified as pathogenic for Pompe disease. ACMG/AMP criteria applied, as specified by the ClinGen LSD VCEP: PVS1, PM2, PM3, PP4_Moderate.

Genomenon, Inc
Classification: Pathogenic for Glycogen storage disease, type II. Last evaluated: 2026-07-01. Review status: criteria provided, single submitter. Criteria: Genomenon Sequence Variant Interpretation Standards - Updated. Collection method: curation. Allele origin: germline. Affected: yes. Not counted in ClinVar's aggregate classification.
Comment: GAA p.Gln58Ter (c.172C>T) is a nonsense variant that introduces a premature stop codon at amino acid position 58 and is predicted to result in a truncated or absent protein product. This variant has been observed in at least one proband with a GAA-related disorder (PMID:36299500;34927739;10377006). It is absent or not present at a significant frequency in gnomAD. In conclusion, we classify GAA p.Gln58Ter (c.172C>T) as a pathogenic variant.

Labcorp Genetics (formerly Invitae), Labcorp
Classification: Pathogenic for Glycogen storage disease, type II. Last evaluated: 2023-08-30. Review status: criteria provided, single submitter. Criteria: Invitae Variant Classification Sherloc (09022015). Collection method: clinical testing. Allele origin: germline. Not counted in ClinVar's aggregate classification.
Comment: This premature translational stop signal has been observed in individual(s) with glycogen storage disease (PMID: 10377006). In at least one individual the data is consistent with being in trans (on the opposite chromosome) from a pathogenic variant. ClinVar contains an entry for this variant (Variation ID: 188903). For these reasons, this variant has been classified as Pathogenic. This variant is not present in population databases (gnomAD no frequency). This sequence change creates a premature translational stop signal (p.Gln58*) in the GAA gene. It is expected to result in an absent or disrupted protein product. Loss-of-function variants in GAA are known to be pathogenic (PMID: 18425781, 22252923).

Natera, Inc.
Classification: Pathogenic for Glycogen storage disease type II. Last evaluated: 2020-06-06. Review status: no assertion criteria provided. Collection method: clinical testing. Allele origin: germline. Not counted in ClinVar's aggregate classification.

Counsyl
Classification: Likely pathogenic for Glycogen storage disease, type II. Last evaluated: 2014-07-25. Review status: no assertion criteria provided. Collection method: literature only. Allele origin: unknown. Inheritance: Autosomal recessive inheritance. Not counted in ClinVar's aggregate classification.

Literature cited by the submitters: PubMed 20817528 (cited by ClinGen Lysosomal Storage Disorder Variant Curation Expert Panel); PubMed 10377006 (cited by 4 submitters); PubMed 36299500 (cited by Genomenon, Inc); PubMed 34927739 (cited by Genomenon, Inc); PubMed 18425781 (cited by Labcorp Genetics (formerly Invitae), Labcorp); PubMed 22252923 (cited by Labcorp Genetics (formerly Invitae), Labcorp).

NM_000152.5(GAA):c.172C>T (p.Gln58Ter)

Gene: GAA (alpha glucosidase; plus strand). Cytogenetic location: 17q25.3.
Variant type: single nucleotide variant.
Coding change: c.172C>T on transcript NM_000152.5 (MANE Select); coding-DNA position 172, C replaced by T.
Protein change: p.Gln58Ter; replaces glutamine 58 with a stop codon.
Molecular consequence: nonsense.
Genome position (GRCh38, 1-based): chr17:80,104,758, C>T. VCF-style: chr17-80104758-C-T. GRCh37 (hg19) VCF-style: chr17-78078557-C-T.
Other names: c.172C>T (LRG_673t1); c.172C>T, p.Gln58Ter (NM_001079803.3, NM_001079804.3); short protein forms Q58*.
Identifiers: ClinVar variation 188903 (VCV000188903.22), dbSNP rs201185475, ClinGen allele CA274104.